The following is an entry in ClinVar:

NM_000116.5(TAFAZZIN):c.13G>T (p.Val5Leu)

Genes: DNASE1L1 (deoxyribonuclease 1 like 1; minus strand), TAFAZZIN (tafazzin, phospholipid-lysophospholipid transacylase; plus strand), LOC130068869 (ATAC-STARR-seq lymphoblastoid silent region 21101; plus strand). Cytogenetic location: Xq28.
Variant type: single nucleotide variant.
Coding change: c.13G>T on transcript NM_000116.5 (MANE Select); coding-DNA position 13, G replaced by T.
Protein change: p.Val5Leu; replaces valine 5 with leucine.
Molecular consequence: missense variant. On other transcripts: non-coding transcript variant (1), intron variant (3).
Genome position (GRCh38, 1-based): chrX:154,411,856, G>T. VCF-style: chrX-154411856-G-T. GRCh37 (hg19) VCF-style: chrX-153640193-G-T.
Other names: c.13G>T, p.Val5Leu (NM_001303465.2, NM_001410698.1, NM_001440856.1 and 5 more transcripts); c.-88+35C>A (NM_001009934.3); c.-173+35C>A (NM_001009933.3); c.-431+35C>A (NM_001009932.3); short protein forms V5L.
Identifiers: ClinVar variation 42253 (VCV000042253.13), dbSNP rs397515737, ClinGen allele CA131101.

ClinVar aggregate classification (germline): Uncertain significance. Review status: criteria provided, multiple submitters, no conflicts (2 of 4 stars). 4 submissions from 4 submitters: Uncertain significance (4). Last evaluated 2025-11-05.

Conditions:
Cardiovascular phenotype. Identifiers: MedGen CN230736.
3-Methylglutaconic aciduria type 2 (BTHS). Also called: Barth syndrome; CARDIOSKELETAL MYOPATHY WITH NEUTROPENIA AND ABNORMAL MITOCHONDRIA. Identifiers: Orphanet 111, MedGen C0574083, MONDO:0010543, OMIM 302060.

Allele frequency attached by ClinVar (database versions not stated): TOPMed 0.00001; gnomAD exomes 0.00002 and 0.00003; ExAC 0.00007; gnomAD 0.00002.
gnomAD v4.1: 19 of 1,197,370 alleles (0.0016%); highest among the groups gnomAD compares: Non-Finnish European, 0.00011%; no homozygotes.

Submissions (4):

Labcorp Genetics (formerly Invitae), Labcorp
Classification: Uncertain significance for 3-Methylglutaconic aciduria type 2. Last evaluated: 2025-11-05. Review status: criteria provided, single submitter. Criteria: Invitae Variant Classification Sherloc (09022015). Collection method: clinical testing. Allele origin: germline.
Comment: This sequence change replaces valine, which is neutral and non-polar, with leucine, which is neutral and non-polar, at codon 5 of the TAZ protein (p.Val5Leu). This variant is present in population databases (rs397515737, gnomAD 0.08%). This variant has not been reported in the literature in individuals affected with TAZ-related conditions. ClinVar contains an entry for this variant (Variation ID: 42253). An algorithm developed to predict the effect of missense changes on protein structure and function (PolyPhen-2) suggests that this variant is likely to be tolerated. In summary, the available evidence is currently insufficient to determine the role of this variant in disease. Therefore, it has been classified as a Variant of Uncertain Significance.

Ambry Genetics
Classification: Uncertain significance for Cardiovascular phenotype. Last evaluated: 2024-08-12. Review status: criteria provided, single submitter. Criteria: Ambry Variant Classification Scheme 2023. Collection method: clinical testing. Allele origin: germline.
Comment: The p.V5L variant (also known as c.13G>T), located in coding exon 1 of the TAZ gene, results from a G to T substitution at nucleotide position 13. The valine at codon 5 is replaced by leucine, an amino acid with highly similar properties. Based on data from gnomAD, the T allele has an overall frequency of 0.00387% (5/147643) total alleles studied, with 0 hemizygote(s) observed. The highest observed frequency was 0.07389% (5/6767) of Ashkenazi Jewish alleles. In addition, this variant has been identified in apparently unaffected hemizygous individuals in our laboratory (Ambry internal data). This amino acid position is highly conserved in available vertebrate species. In addition, this alteration is predicted to be deleterious by in silico analysis. Based on the available evidence, the clinical significance of this variant remains unclear.

GeneDx
Classification: Uncertain significance. Last evaluated: 2017-03-17. Review status: criteria provided, single submitter. Criteria: GeneDx Variant Classification (06012015). Collection method: clinical testing. Allele origin: germline. Affected: yes.
Comment: A variant of uncertain significance has been identified in the TAZ gene. The V5L variant has not been published as pathogenic or been reported as benign to our knowledge. The V5L variant is not observed at a significant frequency in large population cohorts (Lek et al., 2016; 1000 Genomes Consortium et al., 2015; Exome Variant Server). Additionally, this substitution occurs at a position that is conserved across species and in silico analysis predicts this variant is probably damaging to the protein structure/function. Nevertheless, the V5L variant is a conservative amino acid substitution, which is not likely to impact secondary protein structure as these residues share similar properties. Furthermore, this variant lacks observation in a significant number of affected individuals, large segregation studies, and functional evidence, which would further clarify its pathogenicity.

Laboratory for Molecular Medicine, Mass General Brigham Personalized Medicine
Classification: Uncertain significance. Last evaluated: 2011-10-07. Review status: criteria provided, single submitter. Criteria: LMM Criteria. Collection method: clinical testing. Allele origin: germline. Observed: 3 variant alleles.
Comment: Variant classified as Uncertain Significance - Favor Pathogenic. The variant was absent from 332 Ashkenazi Jewish control chromosomes, which is consistent with a pathogenic role (LMM unpublished data). Valine (Val) at position 5 is conserved across mamm als and amphibians, but is not 100% conserved across more evolutionary distant s pecies (fruitfly and yeast), reducing the likelihood that the change is pathogen ic. Valine and Leucine have similar biochemical properties, which also suggest t hat the change may not severely affect the protein. However, most TAZ variants a re pathogenic and cause Barth syndrome. In summary, thi s variant likely causes or contributes to disease but additional data is needed to establish this with certainty. Please note that a new biochemical test is ava ilable that can help establish a diagnosis of Barth syndrome (see recommendation s section).